The following is an entry in ClinVar:

ClinVar aggregate classification (germline): Uncertain significance (1 of 4 stars; one submission).

Conditions:
Developmental and epileptic encephalopathy, 36 (DEE36). Also called: ALG13-CDG; Congenital disorder of glycosylation, type Is; Epileptic encephalopathy, early infantile, 36. Identifiers: Orphanet 324422, MedGen C4317295, MONDO:0010472, OMIM 300884.

Submission:

Labcorp Genetics (formerly Invitae), Labcorp
Classification: Uncertain significance for Developmental and epileptic encephalopathy, 36. Last evaluated: 2022-07-05. Review status: criteria provided, single submitter. Criteria: Invitae Variant Classification Sherloc (09022015). Collection method: clinical testing. Allele origin: germline.
Comment: In summary, the available evidence is currently insufficient to determine the role of this variant in disease. Therefore, it has been classified as a Variant of Uncertain Significance. This variant has not been reported in the literature in individuals affected with ALG13-related conditions. A copy number gain of the genomic region encompassing the full coding sequence of the ALG13 gene has been identified. The boundaries of this event are unknown as they extend beyond the assayed region for this gene and therefore may encompass additional genes. As the precise location of this event is unknown, it may be in tandem or it may be located elsewhere in the genome.

NC_000023.10:g.(?_110924427)_(111003247_?)dup

Gene: ALG13 (ALG13 UDP-N-acetylglucosaminyltransferase subunit; plus strand). Cytogenetic location: Xq23.
Variant type: Duplication.
Identifiers: ClinVar variation 2424030 (VCV002424030.6).